The following is an entry in ClinVar:

NM_025191.4(EDEM3):c.631A>T (p.Ile211Phe)

Gene: EDEM3 (ER degradation enhancing alpha-mannosidase like protein 3; minus strand). Cytogenetic location: 1q25.3.
Variant type: single nucleotide variant.
Coding change: c.631A>T on transcript NM_025191.4 (MANE Select); coding-DNA position 631, A replaced by T.
Protein change: p.Ile211Phe; replaces isoleucine 211 with phenylalanine.
Molecular consequence: missense variant. On other transcripts: non-coding transcript variant (1).
Genome position (GRCh38, 1-based): chr1:184,726,371, T>A on the plus strand (A>T on the coding strand, the complement: EDEM3 is on the minus strand). VCF-style: chr1-184726371-T-A. GRCh37 (hg19) VCF-style: chr1-184695505-T-A.
Other names: c.631A>T, p.Ile211Phe (NM_001319960.2); c.631A>T (NM_001319960.1); short protein forms I211F.
Identifiers: ClinVar variation 2551328 (VCV002551328.3), dbSNP rs142115161, ClinGen allele CA1287601.

ClinVar aggregate classification (germline): Uncertain significance. Review status: criteria provided, single submitter (1 of 4 stars). 2 submissions from 2 submitters: Uncertain significance (1). 1 of the submissions does not count toward it. Last evaluated 2023-05-24.

Conditions:
Inborn genetic diseases. Identifiers: MedGen C0950123, MeSH D030342.
EDEM3-related disorder. Also called: EDEM3-related condition.

Allele frequency attached by ClinVar (database versions not stated): gnomAD 0.00005; ESP Exome Variant Server 0.00023.
gnomAD v4.1: 155 of 1,613,314 alleles (0.0096%); highest among the groups gnomAD compares: Non-Finnish European, 0.012%; no homozygotes.

Submissions (2):

Ambry Genetics
Classification: Uncertain significance for Inborn genetic diseases. Last evaluated: 2023-05-24. Review status: criteria provided, single submitter. Criteria: Ambry Variant Classification Scheme 2023. Collection method: clinical testing. Allele origin: germline.

PreventionGenetics, part of Exact Sciences
Classification: Uncertain significance for EDEM3-related condition. Last evaluated: 2024-05-16. Review status: no assertion criteria provided. Collection method: clinical testing. Allele origin: germline. Not counted in ClinVar's aggregate classification.
Comment: The EDEM3 c.631A>T variant is predicted to result in the amino acid substitution p.Ile211Phe. To our knowledge, this variant has not been reported in the literature. This variant is reported in 0.0062% of alleles in individuals of European (Non-Finnish) descent in gnomAD. At this time, the clinical significance of this variant is uncertain due to the absence of conclusive functional and genetic evidence.